The following is an entry in ClinVar:

ClinVar aggregate classification (germline): Pathogenic/Likely pathogenic. Review status: criteria provided, multiple submitters, no conflicts (2 of 4 stars). 2 submissions from 2 submitters: Pathogenic (1); Likely pathogenic (1). Last evaluated 2025-09-09.

Conditions:
Pachyonychia congenita 3 (PC3). Also called: KRT6A-Related Pachyonychia Congenita; PC-K6a. Identifiers: Orphanet 2309, MedGen C3714948, MONDO:0014324, OMIM 615726.

Submissions (2):

Labcorp Genetics (formerly Invitae), Labcorp
Classification: Pathogenic. Last evaluated: 2025-09-09. Review status: criteria provided, single submitter. Criteria: Invitae Variant Classification Sherloc (09022015). Collection method: clinical testing. Allele origin: germline.
Comment: This sequence change falls in intron 8 of the KRT6A gene. It does not directly change the encoded amino acid sequence of the KRT6A protein. It affects a nucleotide within the consensus splice site. This variant is not present in population databases (gnomAD no frequency). This variant has been observed in individual(s) with clinical features of pachyonychia congenita (PMID: 24611874, 31823354; internal data). ClinVar contains an entry for this variant (Variation ID: 3391301). Variants that disrupt the consensus splice site are a relatively common cause of aberrant splicing (PMID: 17576681, 9536098). Algorithms developed to predict the effect of sequence changes on RNA splicing suggest that this variant may disrupt the consensus splice site. For these reasons, this variant has been classified as Pathogenic.

Neuberg Centre For Genomic Medicine, NCGM
Classification: Likely pathogenic for Pachyonychia congenita 3. Last evaluated: 2023-07-22. Review status: criteria provided, single submitter. Criteria: ACMG Guidelines, 2015. Collection method: clinical testing. Allele origin: germline. Inheritance: Autosomal dominant inheritance. Affected: yes.
Comment: The observed invariant splice acceptor c.1460-1G>C in KRT6A gene has been previously reported in heterozygote state in a family affected with Palmoplantar Keratoderma N.J. Wilson, et al., 2014. The c.1460-1G>C variant is absent in gnomAD exomes. This variant has not been submitted to ClinVar database. The SpliceAI predicts a score 0.92 for this variant. This variant is predicted to cause loss of normal protein function through protein truncation. Loss of function variants have been previously reported to be disease causing. For these reasons, this variant has been classified as likely pathogenic.

Literature cited by the submitters: PubMed 24611874 (cited by Labcorp Genetics (formerly Invitae), Labcorp); PubMed 31823354 (cited by Labcorp Genetics (formerly Invitae), Labcorp); PubMed 17576681 (cited by Labcorp Genetics (formerly Invitae), Labcorp); PubMed 9536098 (cited by Labcorp Genetics (formerly Invitae), Labcorp).

NM_005554.4(KRT6A):c.1460-1G>C

Gene: KRT6A (keratin 6A; minus strand). Cytogenetic location: 12q13.13.
Variant type: single nucleotide variant.
Coding change: c.1460-1G>C on transcript NM_005554.4 (MANE Select); the canonical splice acceptor site of the intron before coding-DNA position 1460, G replaced by C.
Molecular consequence: splice acceptor variant.
Genome position (GRCh38, 1-based): chr12:52,487,956, C>G on the plus strand (G>C on the coding strand, the complement: KRT6A is on the minus strand). VCF-style: chr12-52487956-C-G. GRCh37 (hg19) VCF-style: chr12-52881740-C-G.
Identifiers: ClinVar variation 3391301 (VCV003391301.2).